The following is an entry in ClinVar:

ClinVar aggregate classification (germline): Uncertain significance (1 of 4 stars; one submission).

Allele frequency attached by ClinVar (database versions not stated): gnomAD exomes 0.00001; TOPMed 0.00001; gnomAD 0.00002.
gnomAD v4.1: 11 of 1,613,958 alleles (0.00068%); highest among the groups gnomAD compares: Non-Finnish European, 0.00093%; no homozygotes.

Submission:

Labcorp Genetics (formerly Invitae), Labcorp
Classification: Uncertain significance. Last evaluated: 2022-01-16. Review status: criteria provided, single submitter. Criteria: Invitae Variant Classification Sherloc (09022015). Collection method: clinical testing. Allele origin: germline.
Comment: This sequence change replaces glutamine, which is neutral and polar, with lysine, which is basic and polar, at codon 488 of the GSN protein (p.Gln488Lys). This variant is present in population databases (no rsID available, gnomAD 0.002%). In summary, the available evidence is currently insufficient to determine the role of this variant in disease. Therefore, it has been classified as a Variant of Uncertain Significance. Algorithms developed to predict the effect of missense changes on protein structure and function (SIFT, PolyPhen-2, Align-GVGD) all suggest that this variant is likely to be tolerated. This variant has not been reported in the literature in individuals affected with GSN-related conditions.

NM_198252.3(GSN):c.1309C>A (p.Gln437Lys)

Gene: GSN (gelsolin; plus strand). Cytogenetic location: 9q33.2.
Variant type: single nucleotide variant.
Coding change: c.1309C>A on transcript NM_198252.3 (MANE Select); coding-DNA position 1309, C replaced by A.
Protein change: p.Gln437Lys; replaces glutamine 437 with lysine.
Molecular consequence: missense variant.
Genome position (GRCh38, 1-based): chr9:121,321,385, C>A. VCF-style: chr9-121321385-C-A. GRCh37 (hg19) VCF-style: chr9-124083663-C-A.
Other names: c.1462C>A, p.Gln488Lys (NM_000177.5); c.1309C>A, p.Gln437Lys (NM_001127662.2, NM_001127664.2, NM_001127665.2 and 10 more transcripts); c.1417C>A, p.Gln473Lys (NM_001127663.2); c.1342C>A, p.Gln448Lys (NM_001127666.2, NM_001127667.2, NM_001353069.2 and 13 more transcripts); c.1360C>A, p.Gln454Lys (NM_001258029.2); c.1333C>A, p.Gln445Lys (NM_001258030.2); c.1381C>A, p.Gln461Lys (NM_001353076.2); c.655C>A, p.Gln219Lys (NM_001353078.2); short protein forms Q437K, Q448K, Q454K, Q461K, Q219K, Q445K, Q473K, Q488K.
Identifiers: ClinVar variation 2039022 (VCV002039022.4), dbSNP rs1405855644, ClinGen allele CA374750094.
Genomic context (GRCh38, chr9:121,321,385, plus strand): 5'-TTCTATGGAGGCGACAGCTACATCATTCTGTACAACTACCGCCATGGTGGCCGCCAGGGG[C>A]AGATAATCTATAACTGGTGAGGTTCTGGGGCCATTGGTGTGTGTCGTGGGGGTACTGGCT-3'
Protein context (NP_937895.1, residues 427-447): YNYRHGGRQG[Gln437Lys]IIYNWQGAQS